The following is an entry in ClinVar:

NM_020631.6(PLEKHG5):c.47C>G (p.Ser16Cys)

Gene: PLEKHG5 (pleckstrin homology and RhoGEF domain containing G5; minus strand). Cytogenetic location: 1p36.31.
Variant type: single nucleotide variant.
Coding change: c.47C>G on transcript NM_020631.6 (MANE Select); coding-DNA position 47, C replaced by G.
Protein change: p.Ser16Cys; replaces serine 16 with cysteine.
Molecular consequence: missense variant.
Genome position (GRCh38, 1-based): chr1:6,476,033, G>C on the plus strand (C>G on the coding strand, the complement: PLEKHG5 is on the minus strand). VCF-style: chr1-6476033-G-C. GRCh37 (hg19) VCF-style: chr1-6536093-G-C.
Other names: c.158C>G, p.Ser53Cys (NM_001042663.3, NM_001265592.2); c.47C>G, p.Ser16Cys (NM_001042664.2, NM_001042665.2, NM_001265594.3 and 1 more transcripts); c.254C>G, p.Ser85Cys (NM_001265593.2); short protein forms S16C, S85C, S53C.
Identifiers: ClinVar variation 566688 (VCV000566688.8), dbSNP rs201090415, ClinGen allele CA562008.

ClinVar aggregate classification (germline): Uncertain significance (1 of 4 stars; one submission).

Conditions:
Charcot-Marie-Tooth disease recessive intermediate C. Also called: CHARCOT-MARIE-TOOTH NEUROPATHY, RECESSIVE INTERMEDIATE C. Identifiers: Orphanet 369867, MedGen C3809309, MONDO:0014154, OMIM 615376.
Neuronopathy, distal hereditary motor, autosomal recessive 4. Also called: Autosomal recessive lower motor neuron disease with childhood onset; NEUROPATHY, DISTAL HEREDITARY MOTOR, AUTOSOMAL RECESSIVE 4. Identifiers: Orphanet 206580, MedGen C1970211, MONDO:0012608, OMIM 611067.

Allele frequency attached by ClinVar (database versions not stated): gnomAD 0.00001 and 0.00002; gnomAD exomes 0.00002 and 0.00004; TOPMed 0.00002; ExAC 0.00003; ESP Exome Variant Server 0.00008; 1000 Genomes Project 30x 0.00016; 1000 Genomes Project 0.00020.
gnomAD v4.1: 32 of 1,612,862 alleles (0.002%); highest among the groups gnomAD compares: Admixed American, 0.022%; no homozygotes.

Submission:

Labcorp Genetics (formerly Invitae), Labcorp
Classification: Uncertain significance for Neuronopathy, distal hereditary motor, autosomal recessive 4; Charcot-Marie-Tooth disease recessive intermediate C. Last evaluated: 2025-01-27. Review status: criteria provided, single submitter. Criteria: Invitae Variant Classification Sherloc (09022015). Collection method: clinical testing. Allele origin: germline.
Comment: This sequence change replaces serine, which is neutral and polar, with cysteine, which is neutral and slightly polar, at codon 16 of the PLEKHG5 protein (p.Ser16Cys). This variant is present in population databases (rs201090415, gnomAD 0.02%). This variant has not been reported in the literature in individuals affected with PLEKHG5-related conditions. ClinVar contains an entry for this variant (Variation ID: 566688). An algorithm developed to predict the effect of missense changes on protein structure and function (PolyPhen-2) suggests that this variant is likely to be disruptive. In summary, the available evidence is currently insufficient to determine the role of this variant in disease. Therefore, it has been classified as a Variant of Uncertain Significance.